The following is an entry in ClinVar:

NM_006612.6(KIF1C):c.713C>T (p.Ser238Leu)

Gene: KIF1C (kinesin family member 1C; plus strand). Cytogenetic location: 17p13.2.
Variant type: single nucleotide variant.
Coding change: c.713C>T on transcript NM_006612.6 (MANE Select); coding-DNA position 713, C replaced by T.
Protein change: p.Ser238Leu; replaces serine 238 with leucine.
Molecular consequence: missense variant.
Genome position (GRCh38, 1-based): chr17:5,002,835, C>T. VCF-style: chr17-5002835-C-T. GRCh37 (hg19) VCF-style: chr17-4906130-C-T.
Other names: short protein forms S238L.
Identifiers: ClinVar variation 2049713 (VCV002049713.2), dbSNP rs777832656, ClinGen allele CA8318650.

ClinVar aggregate classification (germline): Uncertain significance (1 of 4 stars; one submission).

Conditions:
Spastic ataxia 2. Also called: Ataxia, spastic, 2, autosomal recessive. Identifiers: Orphanet 397946, MedGen C1969796, MONDO:0012651, OMIM 611302.

Allele frequency attached by ClinVar (database versions not stated): gnomAD exomes 0.00001; ExAC 0.00002; gnomAD 0.00002; TOPMed 0.00002.

Submission:

Labcorp Genetics (formerly Invitae), Labcorp
Classification: Uncertain significance for Spastic ataxia 2. Last evaluated: 2022-03-18. Review status: criteria provided, single submitter. Criteria: Invitae Variant Classification Sherloc (09022015). Collection method: clinical testing. Allele origin: germline.
Comment: Algorithms developed to predict the effect of missense changes on protein structure and function are either unavailable or do not agree on the potential impact of this missense change (SIFT: "Deleterious"; PolyPhen-2: "Benign"; Align-GVGD: "Class C25"). In summary, the available evidence is currently insufficient to determine the role of this variant in disease. Therefore, it has been classified as a Variant of Uncertain Significance. This variant has not been reported in the literature in individuals affected with KIF1C-related conditions. This variant is present in population databases (rs777832656, gnomAD 0.005%). This sequence change replaces serine, which is neutral and polar, with leucine, which is neutral and non-polar, at codon 238 of the KIF1C protein (p.Ser238Leu).